The following is an entry in ClinVar:

ClinVar aggregate classification (germline): Uncertain significance (1 of 4 stars; one submission).

gnomAD v4.1: 1 of 1,613,358 alleles (0.000062%); highest among the groups gnomAD compares: Admixed American, 0.0017%; no homozygotes.

Submission:

Labcorp Genetics (formerly Invitae), Labcorp
Classification: Uncertain significance. Last evaluated: 2024-12-13. Review status: criteria provided, single submitter. Criteria: Invitae Variant Classification Sherloc (09022015). Collection method: clinical testing. Allele origin: germline.
Comment: This sequence change replaces serine, which is neutral and polar, with threonine, which is neutral and polar, at codon 233 of the MMP13 protein (p.Ser233Thr). This variant is not present in population databases (gnomAD no frequency). This variant has not been reported in the literature in individuals affected with MMP13-related conditions. Invitae Evidence Modeling of protein sequence and biophysical properties (such as structural, functional, and spatial information, amino acid conservation, physicochemical variation, residue mobility, and thermodynamic stability) has been performed for this missense variant. However, the output from this modeling did not meet the statistical confidence thresholds required to predict the impact of this variant on MMP13 protein function. In summary, the available evidence is currently insufficient to determine the role of this variant in disease. Therefore, it has been classified as a Variant of Uncertain Significance.

NM_002427.4(MMP13):c.697T>A (p.Ser233Thr)

Gene: MMP13 (matrix metallopeptidase 13; minus strand). Cytogenetic location: 11q22.2.
Variant type: single nucleotide variant.
Coding change: c.697T>A on transcript NM_002427.4 (MANE Select); coding-DNA position 697, T replaced by A.
Protein change: p.Ser233Thr; replaces serine 233 with threonine.
Molecular consequence: missense variant.
Genome position (GRCh38, 1-based): chr11:102,952,114, A>T on the plus strand (T>A on the coding strand, the complement: MMP13 is on the minus strand). VCF-style: chr11-102952114-A-T. GRCh37 (hg19) VCF-style: chr11-102822843-A-T.
Other names: short protein forms S233T.
Identifiers: ClinVar variation 3676499 (VCV003676499.2).